The following is an entry in ClinVar:

ClinVar aggregate classification (germline): Uncertain significance (1 of 4 stars; one submission).

Conditions:
Hypertrophic cardiomyopathy. Also called: HYPERTROPHIC MYOCARDIOPATHY. Identifiers: Orphanet 217569, MedGen C0007194, MeSH D002312, MONDO:0005045, HP:0001639.

Submission:

Labcorp Genetics (formerly Invitae), Labcorp
Classification: Uncertain significance for Hypertrophic cardiomyopathy. Last evaluated: 2026-01-27. Review status: criteria provided, single submitter. Criteria: Invitae Variant Classification Sherloc (09022015). Collection method: clinical testing. Allele origin: germline.
Comment: This variant, c.599_634del, results in the deletion of 12 amino acid(s) of the MYOM1 protein (p.Lys200_Ser211del), but otherwise preserves the integrity of the reading frame. This variant is present in population databases (rs777649711, gnomAD 0.2%), and has an allele count higher than expected for a pathogenic variant. This variant has not been reported in the literature in individuals affected with MYOM1-related conditions. ClinVar contains an entry for this variant (Variation ID: 1059671). Experimental studies and prediction algorithms are not available or were not evaluated, and the functional significance of this variant is currently unknown. In summary, the available evidence is currently insufficient to determine the role of this variant in disease. Therefore, it has been classified as a Variant of Uncertain Significance.

NM_003803.4(MYOM1):c.599_634del (p.194KQSTAS[1])

Gene: MYOM1 (myomesin 1; minus strand). Cytogenetic location: 18p11.31.
Variant type: Deletion.
Coding change: c.599_634del on transcript NM_003803.4 (MANE Select); coding-DNA positions 599 to 634, 36 bases deleted.
Protein change: p.194KQSTAS[1].
Molecular consequence: inframe deletion.
Genome position (GRCh38, 1-based): chr18:3,188,885-3,188,920, 36 bases deleted; deleting any 36 consecutive bases within chr18:3,188,885-3,188,939 gives the same sequence; the c. name uses the placement nearest the transcript's 3' end. GRCh37 (hg19): chr18:3,188,902-3,188,937.
Other names: c.599_634del, p.194KQSTAS[1] (NM_019856.2).
Identifiers: ClinVar variation 1059671 (VCV001059671.7), dbSNP rs777649711, ClinGen allele CA8875189.